The following is an entry in ClinVar:

ClinVar aggregate classification (germline): Conflicting classifications of pathogenicity. Review status: criteria provided, conflicting classifications (1 of 4 stars). 5 submissions from 4 submitters: Uncertain significance (1); Benign (2); Likely benign (2). Last evaluated 2026-01-12.

Conditions:
Leigh syndrome (NULS). Also called: Subacute necrotizing encephalopathy; Necrotizing encephalopathy infantile subacute of Leigh; Leigh Disease; LEIGH SYNDROME, NUCLEAR; Leigh's syndrome; Leigh Syndrome (mtDNA deletion). Identifiers: Orphanet 506, MedGen C2931891, MONDO:0009723, OMIM 256000.
Mitochondrial complex I deficiency, nuclear type 1. Also called: NADH-COENZYME Q REDUCTASE DEFICIENCY; MITOCHONDRIAL NADH DEHYDROGENASE COMPONENT OF COMPLEX I, DEFICIENCY OF. Identifiers: MedGen C6022305, MONDO:0100224, OMIM 252010.

Allele frequency attached by ClinVar (database versions not stated): ESP Exome Variant Server 0.00415; 1000 Genomes Project 30x 0.00422; gnomAD exomes 0.00087; ExAC 0.00115; gnomAD 0.00344 and 0.00369; TOPMed 0.00379; 1000 Genomes Project 0.00399.
gnomAD v4.1: 1,006 of 1,614,136 alleles (0.062%); highest among the groups gnomAD compares: African/African-American, 1.2%; 8 homozygotes.

Submissions (5):

Labcorp Genetics (formerly Invitae), Labcorp
Classification: Benign. Last evaluated: 2026-01-12. Review status: criteria provided, single submitter. Criteria: Invitae Variant Classification Sherloc (09022015). Collection method: clinical testing. Allele origin: germline.

Blueprint Genetics
Classification: Likely benign. Last evaluated: 2024-09-12. Review status: criteria provided, single submitter. Criteria: ACMG Guidelines, 2015. Collection method: clinical testing. Allele origin: germline.

Illumina Laboratory Services, Illumina
Classification: Uncertain significance for Mitochondrial complex I deficiency, nuclear type 1. Last evaluated: 2018-01-13. Review status: criteria provided, single submitter. Criteria: ICSL Variant Classification Criteria 13 December 2019. Collection method: clinical testing. Allele origin: germline.

Illumina Laboratory Services, Illumina
Classification: Likely benign for Leigh syndrome. Last evaluated: 2018-01-13. Review status: criteria provided, single submitter. Criteria: ICSL Variant Classification Criteria 13 December 2019. Collection method: clinical testing. Allele origin: germline.
Comment: This variant was observed in the ICSL laboratory as part of a predisposition screen in an ostensibly healthy population. It had not been previously curated by ICSL or reported in the Human Gene Mutation Database (HGMD: prior to June 1st, 2018), and was therefore a candidate for classification through an automated scoring system. Utilizing variant allele frequency, disease prevalence and penetrance estimates, and inheritance mode, an automated score was calculated to assess if this variant is too frequent to cause the disease. Based on the score and internal cut-off values, a variant classified as likely benign is not then subjected to further curation. The score for this variant resulted in a classification of likely benign for this disease.

GeneDx
Classification: Benign. Last evaluated: 2015-04-09. Review status: criteria provided, single submitter. Criteria: GeneDx Variant Classification (06012015). Collection method: clinical testing. Allele origin: germline. Affected: yes.
Comment: This variant is considered likely benign or benign based on one or more of the following criteria: it is a conservative change, it occurs at a poorly conserved position in the protein, it is predicted to be benign by multiple in silico algorithms, and/or has population frequency not consistent with disease.

NM_005006.7(NDUFS1):c.1062C>T (p.Leu354=)

Gene: NDUFS1 (NADH:ubiquinone oxidoreductase core subunit S1; minus strand). Cytogenetic location: 2q33.3.
Variant type: single nucleotide variant.
Coding change: c.1062C>T on transcript NM_005006.7 (MANE Select); coding-DNA position 1062, C replaced by T.
Protein change: p.Leu354=; no amino-acid change (leucine 354 retained).
Molecular consequence: synonymous variant.
Genome position (GRCh38, 1-based): chr2:206,142,757, G>A on the plus strand (C>T on the coding strand, the complement: NDUFS1 is on the minus strand). VCF-style: chr2-206142757-G-A. GRCh37 (hg19) VCF-style: chr2-207007481-G-A.
Other names: c.954C>T, p.Leu318= (NM_001199981.2); c.729C>T, p.Leu243= (NM_001199982.2); c.891C>T, p.Leu297= (NM_001199983.2); c.1104C>T, p.Leu368= (NM_001199984.2).
Identifiers: ClinVar variation 378252 (VCV000378252.14), dbSNP rs112026097, ClinGen allele CA2070575.